The following is an entry in ClinVar:

NM_006270.5(RRAS):c.2T>G (p.Met1Arg)

Gene: RRAS (RAS related; minus strand). Cytogenetic location: 19q13.33.
Variant type: single nucleotide variant.
Coding change: c.2T>G on transcript NM_006270.5 (MANE Select); coding-DNA position 2, T replaced by G.
Protein change: p.Met1Arg; changes the start codon (methionine 1).
Molecular consequence: missense variant, initiator codon variant.
Genome position (GRCh38, 1-based): chr19:49,640,097, A>C on the plus strand (T>G on the coding strand, the complement: RRAS is on the minus strand). VCF-style: chr19-49640097-A-C. GRCh37 (hg19) VCF-style: chr19-50143354-A-C.
Other names: short protein forms M1R.
Identifiers: ClinVar variation 3701908 (VCV003701908.2).

ClinVar aggregate classification (germline): Uncertain significance (1 of 4 stars; one submission).

Conditions:
Noonan syndrome (NS). Also called: Noonan's syndrome. Identifiers: Orphanet 648, MedGen C0028326, MeSH D009634, MONDO:0018997. Disease mechanism: gain of function.

Submission:

Labcorp Genetics (formerly Invitae), Labcorp
Classification: Uncertain significance for Noonan syndrome. Last evaluated: 2025-02-11. Review status: criteria provided, single submitter. Criteria: Invitae Variant Classification Sherloc (09022015). Collection method: clinical testing. Allele origin: germline.
Comment: This sequence change affects the initiator methionine of the RRAS mRNA. The next in-frame methionine is located at codon 93. This variant is not present in population databases (gnomAD no frequency). This variant has not been reported in the literature in individuals affected with RRAS-related conditions. Experimental studies and prediction algorithms are not available or were not evaluated, and the functional significance of this variant is currently unknown. In summary, the available evidence is currently insufficient to determine the role of this variant in disease. Therefore, it has been classified as a Variant of Uncertain Significance.